The following is an entry in ClinVar:

NM_001277115.2(DNAH11):c.13476dup (p.Thr4493fs)

Genes: CDCA7L (cell division cycle associated 7 like; minus strand), DNAH11 (dynein axonemal heavy chain 11; plus strand). Cytogenetic location: 7p15.3.
Variant type: Duplication.
Coding change: c.13476dup on transcript NM_001277115.2 (MANE Select); coding-DNA position 13476, one base duplicated (G; older notation c.13476dupG).
Protein change: p.Thr4493fs; shifts the reading frame from threonine 4493.
Molecular consequence: frameshift variant. On other transcripts: 3 prime UTR variant (3).
Genome position (GRCh38, 1-based): chr7:21,901,179, G duplicated; the last of 2 consecutive G bases (chr7:21,901,178-21,901,179); duplicating either gives the same sequence. VCF-style (leftmost placement, unchanged base first): chr7-21901177-T-TG. GRCh37 (hg19) VCF-style: chr7-21940795-T-TG.
Other names: c.*1144dup (NM_001127370.3, NM_001127371.3, NM_018719.5); short protein forms T4493fs.
Identifiers: ClinVar variation 2781394 (VCV002781394.3), dbSNP rs2534165871, ClinGen allele CA2578844108.

ClinVar aggregate classification (germline): Pathogenic (1 of 4 stars; one submission).

Conditions:
Primary ciliary dyskinesia. Also called: Ciliary dyskinesia. Identifiers: Orphanet 244, MedGen C0008780, MONDO:0016575, HP:0012265.

Submission:

Labcorp Genetics (formerly Invitae), Labcorp
Classification: Pathogenic for Primary ciliary dyskinesia. Last evaluated: 2023-12-17. Review status: criteria provided, single submitter. Criteria: Invitae Variant Classification Sherloc (09022015). Collection method: clinical testing. Allele origin: germline.
Comment: This sequence change results in a frameshift in the DNAH11 gene (p.Thr4493Aspfs*27). While this is not anticipated to result in nonsense mediated decay, it is expected to disrupt the last 24 amino acid(s) of the DNAH11 protein and extend the protein by 2 additional amino acid residues. This variant is not present in population databases (gnomAD no frequency). This variant has not been reported in the literature in individuals affected with DNAH11-related conditions. This variant disrupts a region of the DNAH11 protein in which other variant(s) (p.Trp4505Serfs*10) have been determined to be pathogenic (Invitae). This suggests that this is a clinically significant region of the protein, and that variants that disrupt it are likely to be disease-causing. For these reasons, this variant has been classified as Pathogenic.